The following is an entry in ClinVar:

ClinVar aggregate classification (germline): Uncertain significance (1 of 4 stars; one submission).

Conditions:
Immunodeficiency 51 (IMD51). Also called: CANDIDIASIS, FAMILIAL, 5. Identifiers: Orphanet 1334, MedGen C4310803, MONDO:0013500, OMIM 613953.

Allele frequency attached by ClinVar (database versions not stated): gnomAD exomes below 0.00001; TOPMed 0.00001; ExAC 0.00002; gnomAD 0.00002; 1000 Genomes Project 30x 0.00016; 1000 Genomes Project 0.00020.
gnomAD v4.1: 10 of 1,613,364 alleles (0.00062%); highest among the groups gnomAD compares: African/African-American, 0.0053%; no homozygotes.

Submission:

Labcorp Genetics (formerly Invitae), Labcorp
Classification: Uncertain significance for Immunodeficiency 51. Last evaluated: 2023-11-28. Review status: criteria provided, single submitter. Criteria: Invitae Variant Classification Sherloc (09022015). Collection method: clinical testing. Allele origin: germline.
Comment: This sequence change replaces alanine, which is neutral and non-polar, with valine, which is neutral and non-polar, at codon 735 of the IL17RA protein (p.Ala735Val). This variant is present in population databases (rs569989686, gnomAD 0.01%). This variant has not been reported in the literature in individuals affected with IL17RA-related conditions. ClinVar contains an entry for this variant (Variation ID: 2013767). Advanced modeling of protein sequence and biophysical properties (such as structural, functional, and spatial information, amino acid conservation, physicochemical variation, residue mobility, and thermodynamic stability) performed at Invitae indicates that this missense variant is not expected to disrupt IL17RA protein function with a negative predictive value of 80%. In summary, the available evidence is currently insufficient to determine the role of this variant in disease. Therefore, it has been classified as a Variant of Uncertain Significance.

NM_014339.7(IL17RA):c.2204C>T (p.Ala735Val)

Gene: IL17RA (interleukin 17 receptor A; plus strand). Cytogenetic location: 22q11.1.
Variant type: single nucleotide variant.
Coding change: c.2204C>T on transcript NM_014339.7 (MANE Select); coding-DNA position 2204, C replaced by T.
Protein change: p.Ala735Val; replaces alanine 735 with valine.
Molecular consequence: missense variant.
Genome position (GRCh38, 1-based): chr22:17,109,423, C>T. VCF-style: chr22-17109423-C-T. GRCh37 (hg19) VCF-style: chr22-17590313-C-T.
Other names: c.2102C>T, p.Ala701Val (NM_001289905.2); short protein forms A701V, A735V.
Identifiers: ClinVar variation 2013767 (VCV002013767.4), dbSNP rs569989686, ClinGen allele CA10086935.